The following is an entry in ClinVar:

NM_001378454.1(ALMS1):c.43_44insCGG (p.Glu14_Glu15insAla)

Gene: ALMS1 (ALMS1 centrosome and basal body associated protein; plus strand). Cytogenetic location: 2p13.1.
Variant type: Insertion.
Coding change: c.43_44insCGG on transcript NM_001378454.1 (MANE Select); coding-DNA positions 43 to 44, CGG inserted.
Protein change: p.Glu14_Glu15insAla.
Molecular consequence: inframe insertion.
Genome position: GRCh38 VCF-style: chr2-73385909-A-AGGC. GRCh37 (hg19) VCF-style: chr2-73613037-A-AGGC.
Other names: c.46_47insCGG, p.Glu15_Glu16insAla (NM_015120.4).
Identifiers: ClinVar variation 4989840 (VCV004989840.1).
Genomic context (GRCh38, chr2:73,385,909, plus strand): 5'-GCCCAGAGCGAGACACCAACATGGAGCCCGAGGATCTGCCATGGCCGGGCGAGCTGGAGG[A>AGGC]GGAGGAGGAGGAGGAGGAGGAGGAGGAGGAGGAAGAGGAGGAGGCTGCAGCGGCGGCGGC-3'

ClinVar aggregate classification (germline): Uncertain significance (1 of 4 stars; one submission).

Conditions:
ALMS1-related disorder. Also called: ALMS1-related condition.

Submission:

PreventionGenetics, part of Exact Sciences
Classification: Uncertain significance for ALMS1-related condition. Last evaluated: 2026-03-03. Review status: criteria provided, single submitter. Criteria: ACMG Guidelines, 2015. Collection method: clinical testing. Allele origin: germline.
Comment: The ALMS1 c.46_47insCGG variant is predicted to result in an in-frame amino acid insertion (p.Glu15_Glu16insAla). To our knowledge, this variant has not been reported in the literature or in a large population database (gnomAD), indicating this variant is rare. At this time, the clinical significance of this variant is uncertain due to the absence of conclusive functional and genetic evidence.